The following is an entry in ClinVar:

ClinVar aggregate classification (germline): Pathogenic. Review status: criteria provided, multiple submitters, no conflicts (2 of 4 stars). 3 submissions from 3 submitters: Pathogenic (3). Last evaluated 2023-11-04.

Conditions:
Usher syndrome type 2. Also called: Usher Syndrome Type II. Identifiers: Orphanet 231178, MedGen C0339534, MONDO:0016484.
Usher syndrome type 2A. Also called: RETINAL DISEASE IN USHER SYNDROME TYPE IIA, MODIFIER OF; USHER SYNDROME, TYPE IIA. Identifiers: Orphanet 231178, Orphanet 886, MedGen C1848634, MONDO:0010169, OMIM 276901.

Submissions (3):

Genome-Nilou Lab
Classification: Pathogenic for Usher syndrome type 2A. Last evaluated: 2023-11-04. Review status: criteria provided, single submitter. Criteria: ACMG Guidelines, 2015. Collection method: clinical testing. Allele origin: germline. Affected: no.

Molecular Genetics Laboratory, Institute for Ophthalmic Research
Classification: Pathogenic for Usher syndrome type 2. Last evaluated: 2020-01-09. Review status: criteria provided, single submitter. Criteria: ACMG Guidelines, 2015. Collection method: research. Allele origin: germline. Affected: yes.

GeneDx
Classification: Pathogenic. Last evaluated: 2018-12-19. Review status: criteria provided, single submitter. Criteria: GeneDx Variant Classification (06012015). Collection method: clinical testing. Allele origin: germline. Affected: yes.
Comment: The c.1521_1522delTGinsAT (Y507X) variant has not been published as a pathogenic variant, nor has it been reported as a benign variant to our knowledge. The variant is not observed in large population cohorts (Lek et al., 2016). It is predicted to cause loss of normal protein function either through protein truncation or nonsense-mediated mRNA decay. We consider this variant to be pathogenic.

NM_206933.4(USH2A):c.1521_1522delinsAT (p.Tyr507_Ala508delinsTer)

Gene: USH2A (usherin; minus strand). Cytogenetic location: 1q41.
Variant type: Indel.
Coding change: c.1521_1522delinsAT on transcript NM_206933.4 (MANE Select); coding-DNA positions 1521 to 1522, TG replaced by AT.
Protein change: p.Tyr507_Ala508delinsTer.
Molecular consequence: nonsense.
Genome position (GRCh38, 1-based): chr1:216,323,502-216,323,503, CA replaced by AT on the plus strand (TG replaced by AT on the coding strand, the reverse complement: USH2A is on the minus strand). VCF-style: chr1-216323502-CA-AT. GRCh37 (hg19) VCF-style: chr1-216496844-CA-AT.
Other names: c.1521_1522delTGinsAT (NM_206933.2); c.1521_1522delinsAT, p.Tyr507_Ala508delinsTer (NM_007123.6).
Identifiers: ClinVar variation 813117 (VCV000813117.3), dbSNP rs1571701069, ClinGen allele CA915942035.
Genomic context (GRCh38, chr1:216,323,502, plus strand): 5'-AACCTTGTTGAAAACAAAATTCATAATAATACCTCCCACTAATGGTGATTTCGTCCACTG[CA>AT]TAATATCTGTGTCTGAGGTTAACAGCAGTCTCAGTTGTATAGTACTGCCCATGAAAATGA-3'